The following is an entry in ClinVar:

ClinVar aggregate classification (germline): Uncertain significance. Review status: criteria provided, multiple submitters, no conflicts (2 of 4 stars). 2 submissions from 2 submitters: Uncertain significance (2). Last evaluated 2025-11-10.

gnomAD v4.1: 1 of 1,613,308 alleles (0.000062%); highest among the groups gnomAD compares: Admixed American, 0.0017%; no homozygotes.

Submissions (2):

Labcorp Genetics (formerly Invitae), Labcorp
Classification: Uncertain significance. Last evaluated: 2025-11-10. Review status: criteria provided, single submitter. Criteria: Invitae Variant Classification Sherloc (09022015). Collection method: clinical testing. Allele origin: germline.
Comment: This sequence change replaces glutamic acid, which is acidic and polar, with aspartic acid, which is acidic and polar, at codon 508 of the KMT2A protein (p.Glu508Asp). This variant is present in population databases (no rsID available, gnomAD 0.003%). This variant has not been reported in the literature in individuals affected with KMT2A-related conditions. ClinVar contains an entry for this variant (Variation ID: 1723108). Invitae Evidence Modeling of protein sequence and biophysical properties (such as structural, functional, and spatial information, amino acid conservation, physicochemical variation, residue mobility, and thermodynamic stability) indicates that this missense variant is not expected to disrupt KMT2A protein function with a negative predictive value of 95%. In summary, the available evidence is currently insufficient to determine the role of this variant in disease. Therefore, it has been classified as a Variant of Uncertain Significance.

GeneDx
Classification: Uncertain significance. Last evaluated: 2022-05-05. Review status: criteria provided, single submitter. Criteria: GeneDx Variant Classification Process June 2021. Collection method: clinical testing. Allele origin: germline. Affected: yes.
Comment: In silico analysis supports that this missense variant does not alter protein structure/function; Has not been previously published as pathogenic or benign to our knowledge

NM_001197104.2(KMT2A):c.1524A>C (p.Glu508Asp)

Gene: KMT2A (lysine methyltransferase 2A; plus strand). Cytogenetic location: 11q23.3.
Variant type: single nucleotide variant.
Coding change: c.1524A>C on transcript NM_001197104.2 (MANE Select); coding-DNA position 1524, A replaced by C.
Protein change: p.Glu508Asp; replaces glutamic acid 508 with aspartic acid.
Molecular consequence: missense variant.
Genome position (GRCh38, 1-based): chr11:118,472,683, A>C. VCF-style: chr11-118472683-A-C. GRCh37 (hg19) VCF-style: chr11-118343398-A-C.
Other names: c.1623A>C, p.Glu541Asp (NM_001412597.1); c.1524A>C, p.Glu508Asp (NM_005933.4); short protein forms E508D, E541D.
Identifiers: ClinVar variation 1723108 (VCV001723108.4), dbSNP rs1555036054, ClinGen allele CA382810293.
Genomic context (GRCh38, chr11:118,472,683, plus strand): 5'-AGACTCTCAGGCTTCTGAGGAGATTCAGGTACTTCCTGAGGAGCGGAGCGATACCCCTGA[A>C]GTTCATCCTCCACTGCCCATTTCCCAGTCCCCAGAAAATGAGAGTAATGATAGGAGAAGC-3'
Protein context (NP_001184033.1, residues 498-518): VLPEERSDTP[Glu508Asp]VHPPLPISQS